The following is an entry in ClinVar:

ClinVar aggregate classification (germline): Uncertain significance. Review status: criteria provided, multiple submitters, no conflicts (2 of 4 stars). 2 submissions from 2 submitters: Uncertain significance (2). Last evaluated 2025-10-13.

Conditions:
Hereditary cancer-predisposing syndrome. Also called: Tumor predisposition; Hereditary Cancer Syndrome; Hereditary neoplastic syndrome; Neoplastic Syndromes, Hereditary. Identifiers: Orphanet 140162, MedGen C0027672, MeSH D009386, MONDO:0015356.

Submissions (2):

Color Diagnostics, LLC DBA Color Health
Classification: Uncertain significance for Hereditary cancer-predisposing syndrome. Last evaluated: 2025-10-13. Review status: criteria provided, single submitter. Criteria: ACMG Guidelines, 2015. Collection method: clinical testing. Allele origin: germline.
Comment: This variant inserts 10 nucleotides in exon 10 of the MSH6 gene, creating a frameshift and premature translation stop signal. This variant is not expected to result in nonsense-mediated decay and exchanges the last 9 amino acids with 10 frameshift residues. The functional impact of these changes is unknown. To our knowledge, this variant has not been reported in individuals affected with MSH6-related disorders in the literature. This variant has not been identified in the general population by the Genome Aggregation Database (gnomAD). The available evidence is insufficient to determine the role of this variant in disease conclusively. Therefore, this variant is classified as a Variant of Uncertain Significance.

Ambry Genetics
Classification: Uncertain significance for Hereditary cancer-predisposing syndrome. Last evaluated: 2023-06-28. Review status: criteria provided, single submitter. Criteria: Ambry Variant Classification Scheme 2023. Collection method: clinical testing. Allele origin: germline.
Comment: The c.4054_4055ins10 variant, located in coding exon 10 of the MSH6 gene, results from an insertion of 10 nucleotides at position 4054, causing a translational frameshift with a predicted alternate stop codon (p.K1352Ifs*10). Frameshifts are typically deleterious in nature; however, this frameshift occurs at the 3' terminus of MSH6, is not expected to trigger nonsense-mediated mRNA decay, and impacts only the last nine amino acids of the protein. The exact functional impact of these altered amino acids is unknown at this time. Since supporting evidence is limited at this time, the clinical significance of this alteration remains unclear.

NM_000179.3(MSH6):c.4054_4055insTTGCTGTCCA (p.Lys1352fs)

Gene: MSH6 (mutS homolog 6; plus strand). Cytogenetic location: 2p16.3.
Variant type: Insertion.
Coding change: c.4054_4055insTTGCTGTCCA on transcript NM_000179.3 (MANE Select); coding-DNA positions 4054 to 4055, TTGCTGTCCA inserted.
Protein change: p.Lys1352fs; shifts the reading frame from lysine 1352.
Molecular consequence: frameshift variant. On other transcripts: 3 prime UTR variant (5), non-coding transcript variant (5).
Genome position: GRCh38 VCF-style: chr2-47806830-T-TATTGCTGTCC. GRCh37 (hg19) VCF-style: chr2-48033969-T-TATTGCTGTCC.
Other names: c.3664_3665insTTGCTGTCCA, p.Lys1222fs (NM_001281492.2); c.3148_3149insTTGCTGTCCA, p.Lys1050fs (NM_001281493.2, NM_001281494.2, NM_001406811.1 and 6 more transcripts); c.4150_4151insTTGCTGTCCA, p.Lys1384fs (NM_001406795.1); c.4054_4055insTTGCTGTCCA, p.Lys1352fs (NM_001406796.1, NM_001406809.1); c.3757_3758insTTGCTGTCCA, p.Lys1253fs (NM_001406797.1, NM_001406805.1, NM_001406818.1 and 8 more transcripts); c.3880_3881insTTGCTGTCCA, p.Lys1294fs (NM_001406798.1); c.3529_3530insTTGCTGTCCA, p.Lys1177fs (NM_001406799.1, NM_001406806.1, NM_001406807.1); c.*75_*76insTTGCTGTCCA (NM_001406800.1); and 9 more; short protein forms K1177fs, K1294fs, K1326fs, K1050fs, K1222fs, K1253fs, K279fs, K1296fs.
Identifiers: ClinVar variation 2624905 (VCV002624905.3), dbSNP rs2530896644, ClinGen allele CA2582342385.